The following is an entry in ClinVar:

NM_014727.3(KMT2B):c.1430G>A (p.Ser477Asn)

Gene: KMT2B (lysine methyltransferase 2B; plus strand). Cytogenetic location: 19q13.12.
Variant type: single nucleotide variant.
Coding change: c.1430G>A on transcript NM_014727.3 (MANE Select); coding-DNA position 1430, G replaced by A.
Protein change: p.Ser477Asn; replaces serine 477 with asparagine.
Molecular consequence: missense variant.
Genome position (GRCh38, 1-based): chr19:35,720,777, G>A. VCF-style: chr19-35720777-G-A. GRCh37 (hg19) VCF-style: chr19-36211679-G-A.
Other names: short protein forms S477N.
Identifiers: ClinVar variation 3345966 (VCV003345966.1).
Genomic context (GRCh38, chr19:35,720,777, plus strand): 5'-CTCCTCCTGTGGTCCCAGCTACGTGCTCCAGGAAGAGGGGCCGGCCTCCCCTGACTCCCA[G>A]CCAGCGGGCGGAGCGGGAAGCTGCTCGGGCAGGGCCAGAGGGCACCTCTCCTCCCACTCC-3'
Protein context (NP_055542.1, residues 467-487): RKRGRPPLTP[Ser477Asn]QRAEREAARA

ClinVar aggregate classification (germline): Uncertain significance (0 of 4 stars; one submission).

Conditions:
KMT2B-related disorder. Also called: KMT2B-related disorders; KMT2B-related condition. Identifiers: MedGen CN381338.

gnomAD v4.1: 8 of 1,482,308 alleles (0.00054%); highest among the groups gnomAD compares: Non-Finnish European, 0.00072%; no homozygotes.

Submission:

PreventionGenetics, part of Exact Sciences
Classification: Uncertain significance for KMT2B-related condition. Last evaluated: 2024-07-09. Review status: no assertion criteria provided. Collection method: clinical testing. Allele origin: germline.
Comment: The KMT2B c.1430G>A variant is predicted to result in the amino acid substitution p.Ser477Asn. To our knowledge, this variant has not been reported in the literature. This variant is reported in 0.0020% of alleles in individuals of European (Non-Finnish) descent in gnomAD. However, quality metrics at this site indicate the gnomAD data may not be a reliable estimate of the population frequency. At this time, the clinical significance of this variant is uncertain due to the absence of conclusive functional and genetic evidence.